The following is an entry in ClinVar:

ClinVar aggregate classification (germline): Pathogenic/Likely pathogenic. Review status: criteria provided, multiple submitters, no conflicts (2 of 4 stars). 2 submissions from 2 submitters: Pathogenic (1); Likely pathogenic (1). Last evaluated 2021-04-14.

Submissions (2):

Labcorp Genetics (formerly Invitae), Labcorp
Classification: Pathogenic. Last evaluated: 2021-04-14. Review status: criteria provided, single submitter. Criteria: Invitae Variant Classification Sherloc (09022015). Collection method: clinical testing. Allele origin: germline.
Comment: This variant has been observed in individual(s) with PPP3CA-related conditions (PMID: 30951195). In at least one individual the variant was observed to be de novo. ClinVar contains an entry for this variant (Variation ID: 488712). For these reasons, this variant has been classified as Pathogenic. Algorithms developed to predict the effect of sequence changes on RNA splicing suggest that this variant may disrupt the consensus splice site, but this prediction has not been confirmed by published transcriptional studies. This variant is not present in population databases (ExAC no frequency). This sequence change affects an acceptor splice site in intron 12 of the PPP3CA gene. It is expected to disrupt RNA splicing. Variants that disrupt the donor or acceptor splice site typically lead to a loss of protein function (PMID: 16199547), and loss-of-function variants in PPP3CA are known to be pathogenic (PMID: 28942967, 29432562, 30455226, 30951195).

GeneDx
Classification: Likely pathogenic. Last evaluated: 2017-12-19. Review status: criteria provided, single submitter. Criteria: GeneDx Variant Classification (06012015). Collection method: clinical testing. Allele origin: germline. Affected: yes.
Comment: The c.1340-2A>G variant in the PPP3CA gene has not been reported previously as a pathogenic variant nor as a benign variant, to our knowledge. This splice site variant destroys the canonical splice acceptor site in intron 12, which is predicted to cause abnormal gene splicing resulting in an in-frame protein product with an abnormal message. The c.1340-2A>G variant is not observed in large population cohorts (Lek et al., 2016). We interpret c.1340-2A>G as a likely pathogenic variant.

Literature cited by the submitters: PubMed 30951195 (cited by Labcorp Genetics (formerly Invitae), Labcorp); PubMed 16199547 (cited by Labcorp Genetics (formerly Invitae), Labcorp); PubMed 28942967 (cited by Labcorp Genetics (formerly Invitae), Labcorp); PubMed 29432562 (cited by Labcorp Genetics (formerly Invitae), Labcorp); PubMed 30455226 (cited by Labcorp Genetics (formerly Invitae), Labcorp).

NM_000944.5(PPP3CA):c.1340-2A>G

Gene: PPP3CA (protein phosphatase 3 catalytic subunit alpha; minus strand). Cytogenetic location: 4q24.
Variant type: single nucleotide variant.
Coding change: c.1340-2A>G on transcript NM_000944.5 (MANE Select); the canonical splice acceptor site of the intron before coding-DNA position 1340, A replaced by G.
Molecular consequence: splice acceptor variant. On other transcripts: intron variant (2).
Genome position (GRCh38, 1-based): chr4:101,029,197, T>C on the plus strand (A>G on the coding strand, the complement: PPP3CA is on the minus strand). VCF-style: chr4-101029197-T-C. GRCh37 (hg19) VCF-style: chr4-101950354-T-C.
Other names: c.1213+3070A>G (NM_001130692.2); c.1339+3070A>G (NM_001130691.2).
Identifiers: ClinVar variation 488712 (VCV000488712.11), dbSNP rs1553920188, ClinGen allele CA357947938.
Genomic context (GRCh38, chr4:101,029,197, plus strand): 5'-TACAACAGAAAGGGGACTGGCCAATTTACCTTCATCAGCCTCAATAGCCTCAACAGTAGC[T>C]GAAGAGAAGAAAGGGGGTGCAAAATGAATGAGAAAAATGAGCAGAGGATTTTTTAACTCT-3'